The following is an entry in ClinVar:

NM_001040142.2(SCN2A):c.5720T>C (p.Val1907Ala)

Gene: SCN2A (sodium voltage-gated channel alpha subunit 2; plus strand). Cytogenetic location: 2q24.3.
Variant type: single nucleotide variant.
Coding change: c.5720T>C on transcript NM_001040142.2 (MANE Select); coding-DNA position 5720, T replaced by C.
Protein change: p.Val1907Ala; replaces valine 1907 with alanine.
Molecular consequence: missense variant.
Genome position (GRCh38, 1-based): chr2:165,389,526, T>C. VCF-style: chr2-165389526-T-C. GRCh37 (hg19) VCF-style: chr2-166246036-T-C.
Other names: c.5720T>C (NM_021007.2); c.5720T>C, p.Val1907Ala (NM_001040143.2, NM_001371246.1, NM_001371247.1 and 1 more transcripts); short protein forms V1907A.
Identifiers: ClinVar variation 1978622 (VCV001978622.6), dbSNP rs1702042482, ClinGen allele CA349040001.
Genomic context (GRCh38, chr2:165,389,526, plus strand): 5'-ACCCCTCCAAAGTCTCTTATGAGCCCATTACGACCACGTTGAAACGCAAACAAGAGGAGG[T>C]GTCTGCTATTATTATCCAGAGGGCTTACAGACGCTACCTCTTGAAGCAAAAAGTTAAAAA-3'
Protein context (NP_001035232.1, residues 1897-1917): TTTLKRKQEE[Val1907Ala]SAIIIQRAYR

ClinVar aggregate classification (germline): Uncertain significance. Review status: criteria provided, multiple submitters, no conflicts (2 of 4 stars). 2 submissions from 2 submitters: Uncertain significance (2). Last evaluated 2024-07-31.

Conditions:
Seizures, benign familial infantile, 3 (BFIS3). Also called: CONVULSIONS, BENIGN FAMILIAL INFANTILE, 3; Familial neonatal seizures. Identifiers: Orphanet 140927, Orphanet 306, MedGen C1843140, MONDO:0011904, OMIM 607745.
Developmental and epileptic encephalopathy, 11 (DEE11). Also called: Early infantile epileptic encephalopathy 11. Identifiers: Orphanet 1934, MedGen C3150987, MONDO:0013388, OMIM 613721.

Allele frequency attached by ClinVar (database versions not stated): gnomAD exomes below 0.00001; gnomAD 0.00001.
gnomAD v4.1: 2 of 1,613,722 alleles (0.00012%); highest among the groups gnomAD compares: South Asian, 0.0022%; no homozygotes.

Submissions (2):

GeneDx
Classification: Uncertain significance. Last evaluated: 2024-07-31. Review status: criteria provided, single submitter. Criteria: GeneDx Variant Classification Process June 2021. Collection method: clinical testing. Allele origin: germline. Affected: yes.
Comment: Not observed at significant frequency in large population cohorts (gnomAD); In silico analysis supports that this missense variant has a deleterious effect on protein structure/function; Has not been previously published as pathogenic or benign to our knowledge; This substitution is predicted to be within the C-terminal cytoplasmic domain and the IQ domain

Labcorp Genetics (formerly Invitae), Labcorp
Classification: Uncertain significance for Seizures, benign familial infantile, 3; Developmental and epileptic encephalopathy, 11. Last evaluated: 2022-05-12. Review status: criteria provided, single submitter. Criteria: Invitae Variant Classification Sherloc (09022015). Collection method: clinical testing. Allele origin: germline.
Comment: In summary, the available evidence is currently insufficient to determine the role of this variant in disease. Therefore, it has been classified as a Variant of Uncertain Significance. Algorithms developed to predict the effect of missense changes on protein structure and function are either unavailable or do not agree on the potential impact of this missense change (SIFT: "Deleterious"; PolyPhen-2: "Benign"; Align-GVGD: "Class C55"). This variant has not been reported in the literature in individuals affected with SCN2A-related conditions. This variant is not present in population databases (gnomAD no frequency). This sequence change replaces valine, which is neutral and non-polar, with alanine, which is neutral and non-polar, at codon 1907 of the SCN2A protein (p.Val1907Ala).